The following is an entry in ClinVar:

ClinVar aggregate classification (germline): Uncertain significance (1 of 4 stars; one submission).

Submission:

Labcorp Genetics (formerly Invitae), Labcorp
Classification: Uncertain significance. Last evaluated: 2020-12-22. Review status: criteria provided, single submitter. Criteria: Invitae Variant Classification Sherloc (09022015). Collection method: clinical testing. Allele origin: germline.
Comment: This sequence change creates a premature translational stop signal (p.Thr639Leufs*4) in the SAMD9 gene. While this is not anticipated to result in nonsense mediated decay, it is expected to disrupt the last 951 amino acid(s) of the SAMD9 protein. This variant is not present in population databases (ExAC no frequency). This variant has not been reported in the literature in individuals with SAMD9-related conditions. In summary, the available evidence is currently insufficient to determine the role of this variant in disease. Therefore, it has been classified as a Variant of Uncertain Significance.

NM_017654.4(SAMD9):c.1914del (p.Thr639fs)

Gene: SAMD9 (sterile alpha motif domain containing 9; minus strand). Cytogenetic location: 7q21.2.
Variant type: Deletion.
Coding change: c.1914del on transcript NM_017654.4 (MANE Select); coding-DNA position 1914, one base deleted (G; older notation c.1914delG).
Protein change: p.Thr639fs; shifts the reading frame from threonine 639.
Molecular consequence: frameshift variant.
Genome position (GRCh38, 1-based): chr7:93,104,184, C deleted on the plus strand (G on the coding strand, the reverse complement: SAMD9 is on the minus strand). VCF-style (leftmost placement, unchanged base first): chr7-93104183-TC-T. GRCh37 (hg19) VCF-style: chr7-92733496-TC-T.
Other names: c.1914del, p.Thr639fs (NM_001193307.2); short protein forms T639fs.
Identifiers: ClinVar variation 1500902 (VCV001500902.3), dbSNP rs2116418742, ClinGen allele CA2573142551.